The following is an entry in ClinVar:

ClinVar aggregate classification (germline): Benign. Review status: criteria provided, multiple submitters, no conflicts (2 of 4 stars). 3 submissions from 3 submitters: Benign (3). Last evaluated 2026-02-02.

Allele frequency attached by ClinVar (database versions not stated): 1000 Genomes Project 30x 0.01999; 1000 Genomes Project 0.02137; TOPMed 0.02442; ESP Exome Variant Server 0.02476; gnomAD 0.03268.
gnomAD v4.1: 60,788 of 1,612,198 alleles (3.8%); highest among the groups gnomAD compares: East Asian, 6.1%; 1,299 homozygotes.

Submissions (3):

Labcorp Genetics (formerly Invitae), Labcorp
Classification: Benign. Last evaluated: 2026-02-02. Review status: criteria provided, single submitter. Criteria: Invitae Variant Classification Sherloc (09022015). Collection method: clinical testing. Allele origin: germline.

GeneDx
Classification: Benign. Last evaluated: 2016-01-07. Review status: criteria provided, single submitter. Criteria: GeneDx Variant Classification (06012015). Collection method: clinical testing. Allele origin: germline. Affected: yes.
Comment: This variant is considered likely benign or benign based on one or more of the following criteria: it is a conservative change, it occurs at a poorly conserved position in the protein, it is predicted to be benign by multiple in silico algorithms, and/or has population frequency not consistent with disease.

Breakthrough Genomics
Classification: Benign. Review status: criteria provided, single submitter. Criteria: ACMG Guidelines, 2015. Collection method: not provided. Allele origin: germline. Inheritance: Autosomal recessive inheritance. Affected: yes.

NM_001397406.1(FDX2):c.201-14C>T

Genes: FDX2 (ferredoxin 2; minus strand), FDX2-ZGLP1 (FDX2-ZGLP1 readthrough (NMD candidate); minus strand). Cytogenetic location: 19p13.2.
Variant type: single nucleotide variant.
Coding change: c.201-14C>T on transcript NM_001397406.1 (MANE Select); 14 bases into the intron before coding-DNA position 201, C replaced by T.
Molecular consequence: intron variant. On other transcripts: non-coding transcript variant (1).
Genome position (GRCh38, 1-based): chr19:10,315,506, G>A on the plus strand (C>T on the coding strand, the complement: FDX2 is on the minus strand). VCF-style: chr19-10315506-G-A. GRCh37 (hg19) VCF-style: chr19-10426182-G-A.
Identifiers: ClinVar variation 380452 (VCV000380452.11), dbSNP rs55651720, ClinGen allele CA9191280.